The following is an entry in ClinVar:

ClinVar aggregate classification (germline): Benign/Likely benign. Review status: criteria provided, multiple submitters, no conflicts (2 of 4 stars). 5 submissions from 5 submitters: Benign (1); Likely benign (4). Last evaluated 2025-06-04.

Conditions:
Hereditary cancer-predisposing syndrome. Also called: Hereditary Cancer Syndrome; Tumor predisposition; Neoplastic Syndromes, Hereditary; Hereditary neoplastic syndrome. Identifiers: Orphanet 140162, MedGen C0027672, MeSH D009386, MONDO:0015356.
Familial cancer of breast. Also called: hereditary breast carcinoma; BREAST CANCER, FAMILIAL; Hereditary breast cancer. Identifiers: Orphanet 227535, MedGen C0346153, MONDO:0016419, OMIM 114480. Disease mechanism: loss of function.
Ataxia-telangiectasia syndrome (AT). Also called: ATAXIA-TELANGIECTASIA, COMPLEMENTATION GROUP A; ATAXIA-TELANGIECTASIA, FRESNO VARIANT; Ataxia-telangiectasia; Ataxia-telangiectasia, complementation group E; Cerebello-oculocutaneous telangiectasia; Immunodeficiency with ataxia telangiectasia. Identifiers: Orphanet 100, MedGen C0004135, MONDO:0008840, OMIM 208900.

Allele frequency attached by ClinVar (database versions not stated): gnomAD exomes 0.00001 and below 0.00001; gnomAD 0.00001; TOPMed below 0.00001; ExAC 0.00001.
gnomAD v4.1: 3 of 1,613,924 alleles (0.00019%); highest among the groups gnomAD compares: South Asian, 0.0011%; no homozygotes.

Submissions (5):

Labcorp Genetics (formerly Invitae), Labcorp
Classification: Likely benign for Ataxia-telangiectasia syndrome. Last evaluated: 2025-06-04. Review status: criteria provided, single submitter. Criteria: Invitae Variant Classification Sherloc (09022015). Collection method: clinical testing. Allele origin: germline.

Myriad Genetics, Inc.
Classification: Benign for Familial cancer of breast. Last evaluated: 2024-06-18. Review status: criteria provided, single submitter. Criteria: Myriad Autosomal Dominant, Autosomal Recessive and X-Linked Classification Criteria (2023). Collection method: clinical testing. Allele origin: unknown.
Comment: This variant is considered benign. This variant is a silent/synonymous amino acid change and it is not expected to impact splicing.

Color Diagnostics, LLC DBA Color Health
Classification: Likely benign for Hereditary cancer-predisposing syndrome. Last evaluated: 2022-03-30. Review status: criteria provided, single submitter. Criteria: ACMG Guidelines, 2015. Collection method: clinical testing. Allele origin: germline.

GeneDx
Classification: Likely benign. Last evaluated: 2021-02-23. Review status: criteria provided, single submitter. Criteria: GeneDx Variant Classification Process June 2021. Collection method: clinical testing. Allele origin: germline. Affected: yes.

Ambry Genetics
Classification: Likely benign for Hereditary cancer-predisposing syndrome. Last evaluated: 2014-08-07. Review status: criteria provided, single submitter. Criteria: Ambry Variant Classification Scheme 2023. Collection method: clinical testing. Allele origin: germline.

NM_000051.4(ATM):c.8199G>A (p.Gln2733=)

Genes: ATM (ATM serine/threonine kinase; plus strand), C11orf65 (chromosome 11 open reading frame 65; minus strand). Cytogenetic location: 11q22.3.
Variant type: single nucleotide variant.
Coding change: c.8199G>A on transcript NM_000051.4 (MANE Select); coding-DNA position 8199, G replaced by A.
Protein change: p.Gln2733=; no amino-acid change (glutamine 2733 retained).
Molecular consequence: synonymous variant. On other transcripts: intron variant (2).
Genome position (GRCh38, 1-based): chr11:108,335,892, G>A. VCF-style: chr11-108335892-G-A. GRCh37 (hg19) VCF-style: chr11-108206619-G-A.
Other names: c.8199G>A, p.Gln2733= (NM_001351834.2); c.641-26821C>T (NM_001330368.2); c.695-600C>T (NM_001351110.2).
Identifiers: ClinVar variation 185555 (VCV000185555.19), dbSNP rs770552705, ClinGen allele CA192266.